The following is an entry in ClinVar:

NM_000492.4(CFTR):c.4297G>T (p.Glu1433Ter)

Genes: CFTR (CF transmembrane conductance regulator; plus strand), LOC111674477 (CFTR intron 23 enhancer; plus strand). Cytogenetic location: 7q31.2.
Variant type: single nucleotide variant.
Coding change: c.4297G>T on transcript NM_000492.4 (MANE Select); coding-DNA position 4297, G replaced by T.
Protein change: p.Glu1433Ter; replaces glutamic acid 1433 with a stop codon.
Molecular consequence: nonsense.
Genome position (GRCh38, 1-based): chr7:117,666,962, G>T. VCF-style: chr7-117666962-G-T. GRCh37 (hg19) VCF-style: chr7-117307016-G-T.
Other names: short protein forms E1433*.
Identifiers: ClinVar variation 558578 (VCV000558578.12), dbSNP rs750559671, ClinGen allele CA368984671.
Genomic context (GRCh38, chr7:117,666,962, plus strand): 5'-CCCTAGGTCATAGAAGAGAACAAAGTGCGGCAGTACGATTCCATCCAGAAACTGCTGAAC[G>T]AGAGGAGCCTCTTCCGGCAAGCCATCAGCCCCTCCGACAGGGTGAAGCTCTTTCCCCACC-3'

ClinVar aggregate classification (germline): Pathogenic/Likely pathogenic. Review status: criteria provided, multiple submitters, no conflicts (2 of 4 stars). 6 submissions from 5 submitters: Pathogenic (2); Likely pathogenic (3). 1 of the submissions does not count toward it. Last evaluated 2025-12-31.

Conditions:
Cystic fibrosis (CF). Also called: MUCOVISCIDOSIS. Identifiers: Orphanet 586, MedGen C0010674, MONDO:0009061, OMIM 219700. Disease mechanism: loss of function.
Congenital bilateral aplasia of vas deferens from CFTR mutation (CBAVD). Identifiers: Orphanet 48, MedGen C0403814, MONDO:0010178, OMIM 277180. Disease mechanism: loss of function.
Bronchiectasis with or without elevated sweat chloride 1 (BESC1). Also called: Cystic Fibrosis-Like Syndrome. Identifiers: Orphanet 60033, MedGen C2749757, MONDO:0008887, OMIM 211400.
CFTR-related disorder (CFTR-RD). Also called: CFTR-related disorders; CFTR-related condition. Identifiers: MedGen C5924204, MONDO:7770004.

gnomAD v4.1: 2 of 1,613,982 alleles (0.00012%); highest among the groups gnomAD compares: Non-Finnish European, 0.00017%; no homozygotes.

Submissions (6):

Natera, Inc.
Classification: Likely pathogenic for CFTR-related disorders. Last evaluated: 2025-12-31. Review status: criteria provided, single submitter. Criteria: Natera Variant Classification Schema (03/2026). Collection method: clinical testing. Allele origin: germline.
Comment: The c.4297G>T variant in CFTR is a nonsense variant predicted to introduce a stop codon at amino acid 1433. This variant is expected to result in nonsense mediated decay, truncation, or a dysfunctional protein product. This variant is rare in the general population with a frequency below the threshold expected for the associated phenotype(s). Given the available evidence, this variant is classified as Likely Pathogenic.

Women's Health and Genetics/Laboratory Corporation of America, LabCorp
Classification: Pathogenic for Cystic fibrosis. Last evaluated: 2025-09-12. Review status: criteria provided, single submitter. Criteria: LabCorp Variant Classification Summary - May 2015. Collection method: clinical testing. Allele origin: germline.
Comment: Variant summary: CFTR c.4297G>T (p.Glu1433X) results in a premature termination codon, predicted to cause a truncation of the encoded protein, and other pathogenic nonsense variant(s) (example, c.4408G>T p.Glu1470X) have been associated with disease. The variant was absent in 250854 control chromosomes. To the best of our knowledge, c.4297G>T has not been observed in individual(s) affected with Cystic Fibrosis and no experimental evidence demonstrating an impact on protein function has been reported. The following publication has been ascertained in the context of this evaluation (PMID: 35313924). ClinVar contains an entry for this variant (Variation ID: 558578). Based on the evidence outlined above, the variant was classified as pathogenic.

Baylor Genetics
Classification: Likely pathogenic for Bronchiectasis with or without elevated sweat chloride 1. Last evaluated: 2023-06-10. Review status: criteria provided, single submitter. Criteria: ACMG Guidelines, 2015. Collection method: clinical testing. Allele origin: unknown.

Labcorp Genetics (formerly Invitae), Labcorp
Classification: Pathogenic for Cystic fibrosis. Last evaluated: 2022-07-21. Review status: criteria provided, single submitter. Criteria: Invitae Variant Classification Sherloc (09022015). Collection method: clinical testing. Allele origin: germline.
Comment: This sequence change creates a premature translational stop signal (p.Glu1433*) in the CFTR gene. While this is not anticipated to result in nonsense mediated decay, it is expected to disrupt the last 48 amino acid(s) of the CFTR protein. This variant is not present in population databases (gnomAD no frequency). This variant has not been reported in the literature in individuals affected with CFTR-related conditions. ClinVar contains an entry for this variant (Variation ID: 558578). This variant disrupts a region of the CFTR protein in which other variant(s) (p.Gln1476*) have been determined to be pathogenic (PMID: 11938439, 22020151, 25910067, 28544683, 30444886). This suggests that this is a clinically significant region of the protein, and that variants that disrupt it are likely to be disease-causing. For these reasons, this variant has been classified as Pathogenic.

Baylor Genetics
Classification: Likely pathogenic for Congenital bilateral aplasia of vas deferens from CFTR mutation; Cystic fibrosis. Review status: criteria provided, single submitter. Criteria: ACMG Guidelines, 2015. Collection method: clinical testing. Allele origin: germline.

Counsyl
Classification: Likely pathogenic for Cystic fibrosis. Last evaluated: 2018-05-29. Review status: no assertion criteria provided. Collection method: clinical testing. Allele origin: unknown. Not counted in ClinVar's aggregate classification.

Literature cited by the submitters: PubMed 35313924 (cited by Women's Health and Genetics/Laboratory Corporation of America, LabCorp); PubMed 11938439 (cited by Labcorp Genetics (formerly Invitae), Labcorp); PubMed 22020151 (cited by Labcorp Genetics (formerly Invitae), Labcorp); PubMed 25910067 (cited by Labcorp Genetics (formerly Invitae), Labcorp); PubMed 28544683 (cited by Labcorp Genetics (formerly Invitae), Labcorp); PubMed 30444886 (cited by Labcorp Genetics (formerly Invitae), Labcorp).